The following is an entry in ClinVar:

NM_002206.3(ITGA7):c.1952G>A (p.Arg651His)

Gene: ITGA7 (integrin subunit alpha 7; minus strand). Cytogenetic location: 12q13.2.
Variant type: single nucleotide variant.
Coding change: c.1952G>A on transcript NM_002206.3 (MANE Select); coding-DNA position 1952, G replaced by A.
Protein change: p.Arg651His; replaces arginine 651 with histidine.
Molecular consequence: missense variant.
Genome position (GRCh38, 1-based): chr12:55,695,573, C>T on the plus strand (G>A on the coding strand, the complement: ITGA7 is on the minus strand). VCF-style: chr12-55695573-C-T. GRCh37 (hg19) VCF-style: chr12-56089357-C-T.
Other names: c.1964G>A, p.Arg655His (NM_001144996.2); c.1673G>A, p.Arg558His (NM_001144997.2); c.1625G>A, p.Arg542His (NM_001367993.1); c.608G>A, p.Arg203His (NM_001367994.1); c.1934G>A, p.Arg645His (NM_001374465.1); c.2084G>A, p.Arg695His (NM_001410977.1); c.1946G>A, p.Arg649His (NM_001414029.1); c.1877G>A, p.Arg626His (NM_001414030.1); and 5 more; short protein forms R651H, R558H, R542H, R655H, R203H, R645H, R695H, R611H.
Identifiers: ClinVar variation 94035 (VCV000094035.21), dbSNP rs1800974, ClinGen allele CA147554.

ClinVar aggregate classification (germline): Benign. Review status: criteria provided, multiple submitters, no conflicts (2 of 4 stars). 8 submissions from 8 submitters: Benign (8). Last evaluated 2026-02-04.

Conditions:
Congenital muscular dystrophy due to integrin alpha-7 deficiency. Also called: Congenital muscular dystrophy with integrin alpha-7 deficiency; Muscular dystrophy, congenital, due to ITGA7 deficiency; MYOPATHY, CONGENITAL, DUE TO INTEGRIN ALPHA-7 DEFICIENCY. Identifiers: Orphanet 34520, MedGen C2750786, MONDO:0013177, OMIM 613204.

Allele frequency attached by ClinVar (database versions not stated): gnomAD 0.48530 and 0.49998; ExAC 0.58540; gnomAD exomes 0.59217; 1000 Genomes Project 0.59944; ESP Exome Variant Server 0.45133; TOPMed 0.48528; 1000 Genomes Project 30x 0.58651.
gnomAD v4.1: 849,792 of 1,612,848 alleles (53%); highest among the groups gnomAD compares: East Asian, 93%; 233,196 homozygotes.

Submissions (8):

Labcorp Genetics (formerly Invitae), Labcorp
Classification: Benign for Congenital muscular dystrophy due to integrin alpha-7 deficiency. Last evaluated: 2026-02-04. Review status: criteria provided, single submitter. Criteria: Invitae Variant Classification Sherloc (09022015). Collection method: clinical testing. Allele origin: germline.

Genome-Nilou Lab
Classification: Benign for Congenital muscular dystrophy due to integrin alpha-7 deficiency. Last evaluated: 2021-08-19. Review status: criteria provided, single submitter. Criteria: ACMG Guidelines, 2015. Collection method: clinical testing. Allele origin: germline. Affected: no.

Mayo Clinic Laboratories, Mayo Clinic
Classification: Benign. Last evaluated: 2017-07-19. Review status: criteria provided, single submitter. Criteria: ACMG Guidelines, 2015. Collection method: clinical testing. Allele origin: germline. Observed: 498 variant alleles.

GeneDx
Classification: Benign. Last evaluated: 2016-01-04. Review status: criteria provided, single submitter. Criteria: GeneDx Variant Classification (06012015). Collection method: clinical testing. Allele origin: germline. Affected: yes.
Comment: This variant is considered likely benign or benign based on one or more of the following criteria: it is a conservative change, it occurs at a poorly conserved position in the protein, it is predicted to be benign by multiple in silico algorithms, and/or has population frequency not consistent with disease.

Genetic Services Laboratory, University of Chicago
Classification: Benign for AllHighlyPenetrant. Last evaluated: 2013-08-20. Review status: criteria provided, single submitter. Criteria: ACMG Guidelines, 2007. Collection method: clinical testing. Allele origin: germline. Inheritance: Autosomal recessive inheritance.

Eurofins Ntd Llc (ga)
Classification: Benign. Last evaluated: 2012-07-18. Review status: criteria provided, single submitter. Criteria: EGL Classification Definitions 2015. Collection method: clinical testing. Allele origin: germline. Observed: 31 variant alleles, 17 heterozygotes, 14 homozygotes.

Breakthrough Genomics
Classification: Benign. Review status: criteria provided, single submitter. Criteria: ACMG Guidelines, 2015. Collection method: not provided. Allele origin: germline. Inheritance: Autosomal recessive inheritance. Affected: yes.

PreventionGenetics, part of Exact Sciences
Classification: Benign. Review status: criteria provided, single submitter. Criteria: ACMG Guidelines, 2015. Collection method: clinical testing. Allele origin: germline.